The following is an entry in ClinVar:

ClinVar aggregate classification (germline): Uncertain significance (1 of 4 stars; one submission).

Conditions:
Cohen syndrome (COH1). Also called: PEPPER SYNDROME; Cutis verticis gyrata, retinitis pigmentosa, and sensorineural deafness. Identifiers: Orphanet 193, MedGen C0265223, MONDO:0008999, OMIM 216550.

gnomAD v4.1: 1 of 1,613,802 alleles (0.000062%); no homozygotes.

Submission:

Labcorp Genetics (formerly Invitae), Labcorp
Classification: Uncertain significance for Cohen syndrome. Last evaluated: 2025-12-06. Review status: criteria provided, single submitter. Criteria: Invitae Variant Classification Sherloc (09022015). Collection method: clinical testing. Allele origin: germline.
Comment: This sequence change replaces proline, which is neutral and non-polar, with alanine, which is neutral and non-polar, at codon 3208 of the VPS13B protein (p.Pro3208Ala). This variant is not present in population databases (gnomAD no frequency). This variant has not been reported in the literature in individuals affected with VPS13B-related conditions. Invitae Evidence Modeling of protein sequence and biophysical properties (such as structural, functional, and spatial information, amino acid conservation, physicochemical variation, residue mobility, and thermodynamic stability) indicates that this missense variant is not expected to disrupt VPS13B protein function with a negative predictive value of 80%. In summary, the available evidence is currently insufficient to determine the role of this variant in disease. Therefore, it has been classified as a Variant of Uncertain Significance.

NM_152564.5(VPS13B):c.9547C>G (p.Pro3183Ala)

Gene: VPS13B (vacuolar protein sorting 13 homolog B; plus strand). Cytogenetic location: 8q22.2.
Variant type: single nucleotide variant.
Coding change: c.9547C>G on transcript NM_152564.5 (MANE Select); coding-DNA position 9547, C replaced by G.
Protein change: p.Pro3183Ala; replaces proline 3183 with alanine.
Molecular consequence: missense variant.
Genome position (GRCh38, 1-based): chr8:99,832,585, C>G. VCF-style: chr8-99832585-C-G. GRCh37 (hg19) VCF-style: chr8-100844813-C-G.
Other names: c.9622C>G, p.Pro3208Ala (NM_017890.5); short protein forms P3208A, P3183A.
Identifiers: ClinVar variation 4745326 (VCV004745326.1).